The following is an entry in ClinVar:

ClinVar aggregate classification (germline): Uncertain significance (1 of 4 stars; one submission).

Conditions:
Inborn genetic diseases. Identifiers: MedGen C0950123, MeSH D030342.

gnomAD v4.1: 2 of 1,614,098 alleles (0.00012%); highest among the groups gnomAD compares: East Asian, 0.0022%; no homozygotes.

Submission:

Ambry Genetics
Classification: Uncertain significance for Inborn genetic diseases. Last evaluated: 2026-07-13. Review status: criteria provided, single submitter. Criteria: Ambry Variant Classification Scheme 2023. Collection method: clinical testing. Allele origin: germline.
Comment: The c.640G>A (p.G214R) alteration is located in exon 3 (coding exon 3) of the NFIA gene. This alteration results from a G to A substitution at nucleotide position 640, causing the glycine (G) at amino acid position 214 to be replaced by an arginine (R). Based on data from gnomAD, the A allele has an overall frequency of 0.001% (2/282698) total alleles studied. The highest observed frequency was 0.005% (1/19950) of East Asian alleles. Based on insufficient or conflicting evidence, the clinical significance of this alteration remains unclear.

NM_001134673.4(NFIA):c.505G>A (p.Gly169Arg)

Gene: NFIA (nuclear factor I A; plus strand). Cytogenetic location: 1p31.3.
Variant type: single nucleotide variant.
Coding change: c.505G>A on transcript NM_001134673.4 (MANE Select); coding-DNA position 505, G replaced by A.
Protein change: p.Gly169Arg; replaces glycine 169 with arginine.
Molecular consequence: missense variant.
Genome position (GRCh38, 1-based): chr1:61,088,626, G>A. VCF-style: chr1-61088626-G-A. GRCh37 (hg19) VCF-style: chr1-61554298-G-A.
Other names: c.481G>A, p.Gly161Arg (NM_001145511.2); c.640G>A, p.Gly214Arg (NM_001145512.2); c.505G>A, p.Gly169Arg (NM_005595.5); short protein forms G161R, G169R, G214R.
Identifiers: ClinVar variation 5025729 (VCV005025729.1).